The following is an entry in ClinVar:

ClinVar aggregate classification (germline): Uncertain significance (1 of 4 stars; one submission).

Submission:

GeneDx
Classification: Uncertain significance. Last evaluated: 2025-01-16. Review status: criteria provided, single submitter. Criteria: GeneDx Variant Classification Process June 2021. Collection method: clinical testing. Allele origin: germline. Affected: yes.
Comment: Not observed at significant frequency in large population cohorts (gnomAD); In silico analysis supports that this missense variant has a deleterious effect on protein structure/function; Has not been previously published as pathogenic or benign to our knowledge

NM_004387.4(NKX2-5):c.409C>T (p.Arg137Trp)

Gene: NKX2-5 (NK2 homeobox 5; minus strand). Cytogenetic location: 5q35.1.
Variant type: single nucleotide variant.
Coding change: c.409C>T on transcript NM_004387.4 (MANE Select); coding-DNA position 409, C replaced by T.
Protein change: p.Arg137Trp; replaces arginine 137 with tryptophan.
Molecular consequence: missense variant. On other transcripts: 3 prime UTR variant (2).
Genome position (GRCh38, 1-based): chr5:173,233,135, G>A on the plus strand (C>T on the coding strand, the complement: NKX2-5 is on the minus strand). VCF-style: chr5-173233135-G-A. GRCh37 (hg19) VCF-style: chr5-172660138-G-A.
Other names: c.*362C>T (NM_001166175.2); c.*208C>T (NM_001166176.2); short protein forms R137W.
Identifiers: ClinVar variation 4070692 (VCV004070692.1).
Genomic context (GRCh38, chr5:173,233,135, plus strand): 5'-AGCGCCGCTCCAGCTCATAGACCTGCGCCTGCGAGAAGAGCACGCGCGGCTTCCTCCGCC[G>A]TCGCGCCCGGGGCCGCTCCGCGTTGTCCGCCTCTGTCTTCTCCAGCTCCACCGCCTTCTG-3'
Protein context (NP_004378.1, residues 127-147): ADNAERPRAR[Arg137Trp]RRKPRVLFSQ